The following is an entry in ClinVar:

ClinVar aggregate classification (germline): Pathogenic (1 of 4 stars; one submission).

Submission:

Labcorp Genetics (formerly Invitae), Labcorp
Classification: Pathogenic. Last evaluated: 2020-12-30. Review status: criteria provided, single submitter. Criteria: Invitae Variant Classification Sherloc (09022015). Collection method: clinical testing. Allele origin: germline.
Comment: A gross deletion of the genomic region encompassing the full coding sequence of the COL4A1 gene has been identified. Loss-of-function variants in COL4A1 are known to be pathogenic (PMID: 23225343). The boundaries of this event are unknown as they extend beyond the assayed region for this gene and therefore may encompass additional genes. This variant has not been reported in the literature in individuals with COL4A1-related conditions. For these reasons, this variant has been classified as Pathogenic.

Literature cited by the submitters: PubMed 23225343.

NC_000013.10:g.(?_110802675)_(111358440_?)del

Genes: CARS2 (cysteinyl-tRNA synthetase 2, mitochondrial; minus strand), COL4A1 (collagen type IV alpha 1 chain; minus strand), COL4A2 (collagen type IV alpha 2 chain; plus strand), NAXD (NAD(P)HX dehydratase; plus strand), RAB20 (RAB20, member RAS oncogene family; minus strand). Cytogenetic location: 13q34.
Variant type: Deletion.
Identifiers: ClinVar variation 1457975 (VCV001457975.3).